The following is an entry in ClinVar:

NM_001868.4(CPA1):c.125T>G (p.Leu42Arg)

Gene: CPA1 (carboxypeptidase A1; plus strand). Cytogenetic location: 7q32.2.
Variant type: single nucleotide variant.
Coding change: c.125T>G on transcript NM_001868.4 (MANE Select); coding-DNA position 125, T replaced by G.
Protein change: p.Leu42Arg; replaces leucine 42 with arginine.
Molecular consequence: missense variant.
Genome position (GRCh38, 1-based): chr7:130,381,157, T>G. VCF-style: chr7-130381157-T-G. GRCh37 (hg19) VCF-style: chr7-130020998-T-G.
Other names: short protein forms L42R.
Identifiers: ClinVar variation 3269087 (VCV003269087.1).
Genomic context (GRCh38, chr7:130,381,157, plus strand): 5'-GGCATCAGGTGCTCCGAATCTCTGTAGCCGATGAGGCCCAGGTACAGAAGGTGAAGGAGC[T>G]GGAGGACCTGGAGCACCTGCAGGTCAGAAGAGGGGAGAAGGGCTCTCTGAGGCCCCAGGG-3'
Protein context (NP_001859.1, residues 32-52): DEAQVQKVKE[Leu42Arg]EDLEHLQLDF

ClinVar aggregate classification (germline): Uncertain significance (1 of 4 stars; one submission).

Conditions:
Hereditary pancreatitis (PCTT). Also called: Hereditary chronic pancreatitis; PRSS1-Related Hereditary Pancreatitis. Identifiers: Orphanet 676, MedGen C0238339, MONDO:0008185, OMIM 167800.

Submission:

Ambry Genetics
Classification: Uncertain significance for Hereditary pancreatitis. Last evaluated: 2024-04-27. Review status: criteria provided, single submitter. Criteria: Ambry Variant Classification Scheme 2023. Collection method: clinical testing. Allele origin: germline.
Comment: The p.L42R variant (also known as c.125T>G), located in coding exon 2 of the CPA1 gene, results from a T to G substitution at nucleotide position 125. The leucine at codon 42 is replaced by arginine, an amino acid with dissimilar properties. This amino acid position is conserved. In addition, the in silico prediction for this alteration is inconclusive. Based on the available evidence, the clinical significance of this variant remains unclear.